The following is an entry in ClinVar:

NM_000051.4(ATM):c.4262C>A (p.Ala1421Asp)

Gene: ATM (ATM serine/threonine kinase; plus strand). Cytogenetic location: 11q22.3.
Variant type: single nucleotide variant.
Coding change: c.4262C>A on transcript NM_000051.4 (MANE Select); coding-DNA position 4262, C replaced by A.
Protein change: p.Ala1421Asp; replaces alanine 1421 with aspartic acid.
Molecular consequence: missense variant.
Genome position (GRCh38, 1-based): chr11:108,289,627, C>A. VCF-style: chr11-108289627-C-A. GRCh37 (hg19) VCF-style: chr11-108160354-C-A.
Other names: c.4262C>A, p.Ala1421Asp (NM_001351834.2); short protein forms A1421D.
Identifiers: ClinVar variation 4747213 (VCV004747213.2).

ClinVar aggregate classification (germline): Uncertain significance. Review status: criteria provided, multiple submitters, no conflicts (2 of 4 stars). 2 submissions from 2 submitters: Uncertain significance (2). Last evaluated 2026-02-02.

Conditions:
Ataxia-telangiectasia syndrome (AT). Also called: Ataxia-telangiectasia, complementation group E; Ataxia-telangiectasia, complementation group D; AT, COMPLEMENTATION GROUP C; ATAXIA-TELANGIECTASIA, COMPLEMENTATION GROUP A; ATAXIA-TELANGIECTASIA, FRESNO VARIANT; Ataxia-telangiectasia. Identifiers: Orphanet 100, MedGen C0004135, MONDO:0008840, OMIM 208900.

gnomAD v4.1: 1 of 1,608,894 alleles (0.000062%); highest among the groups gnomAD compares: South Asian, 0.0011%; no homozygotes.

Submissions (2):

Women's Health and Genetics/Laboratory Corporation of America, LabCorp
Classification: Uncertain significance. Last evaluated: 2026-02-02. Review status: criteria provided, single submitter. Criteria: LabCorp Variant Classification Summary - May 2015. Collection method: clinical testing. Allele origin: germline.
Comment: Variant summary: ATM c.4262C>A (p.Ala1421Asp) results in a non-conservative amino acid change in the encoded protein sequence. Algorithms developed to predict the effect of missense changes on protein structure and function are either unavailable or do not agree on the potential impact of this missense change. The variant was absent in 245854 control chromosomes. The available data on variant occurrences in the general population are insufficient to allow any conclusion about variant significance. To our knowledge, no occurrence of c.4262C>A in individuals affected with ATM-related conditions and no experimental evidence demonstrating its impact on protein function have been reported. No submitters have cited clinical-significance assessments for this variant to ClinVar. Based on the evidence outlined above, the variant was classified as uncertain significance.

Labcorp Genetics (formerly Invitae), Labcorp
Classification: Uncertain significance for Ataxia-telangiectasia syndrome. Last evaluated: 2025-09-16. Review status: criteria provided, single submitter. Criteria: Invitae Variant Classification Sherloc (09022015). Collection method: clinical testing. Allele origin: germline.
Comment: This sequence change replaces alanine, which is neutral and non-polar, with aspartic acid, which is acidic and polar, at codon 1421 of the ATM protein (p.Ala1421Asp). This variant is not present in population databases (gnomAD no frequency). This variant has not been reported in the literature in individuals affected with ATM-related conditions. Invitae Evidence Modeling of protein sequence and biophysical properties (such as structural, functional, and spatial information, amino acid conservation, physicochemical variation, residue mobility, and thermodynamic stability) indicates that this missense variant is not expected to disrupt ATM protein function with a negative predictive value of 95%. In summary, the available evidence is currently insufficient to determine the role of this variant in disease. Therefore, it has been classified as a Variant of Uncertain Significance.